The following is an entry in ClinVar:

ClinVar aggregate classification (germline): Pathogenic (1 of 4 stars; one submission).

Submission:

Labcorp Genetics (formerly Invitae), Labcorp
Classification: Pathogenic. Last evaluated: 2022-06-29. Review status: criteria provided, single submitter. Criteria: Invitae Variant Classification Sherloc (09022015). Collection method: clinical testing. Allele origin: germline.
Comment: This sequence change creates a premature translational stop signal (p.Lys414Serfs*2) in the IFNAR1 gene. It is expected to result in an absent or disrupted protein product. Loss-of-function variants in IFNAR1 are known to be pathogenic (PMID: 31270247, 32960813). This variant is not present in population databases (gnomAD no frequency). This variant has not been reported in the literature in individuals affected with IFNAR1-related conditions. For these reasons, this variant has been classified as Pathogenic.

Literature cited by the submitters: PubMed 31270247; PubMed 32960813.

NM_000629.3(IFNAR1):c.1241del (p.Lys414fs)

Gene: IFNAR1 (interferon alpha and beta receptor subunit 1; plus strand). Cytogenetic location: 21q22.11.
Variant type: Deletion.
Coding change: c.1241del on transcript NM_000629.3 (MANE Select); coding-DNA position 1241, one base deleted (A; older notation c.1241delA).
Protein change: p.Lys414fs; shifts the reading frame from lysine 414.
Molecular consequence: frameshift variant.
Genome position (GRCh38, 1-based): chr21:33,352,855, A deleted; the last of 4 consecutive A bases (chr21:33,352,852-33,352,855); deleting any one gives the same sequence. VCF-style (leftmost placement, unchanged base first): chr21-33352851-GA-G. GRCh37 (hg19) VCF-style: chr21-34725157-GA-G.
Other names: c.1241del, p.Lys414fs (NM_001384498.1, NM_001384499.1, NM_001384503.1); c.479del, p.Lys160fs (NM_001384500.1); c.1226del, p.Lys409fs (NM_001384501.1); c.779del, p.Lys260fs (NM_001384502.1); c.1034del, p.Lys345fs (NM_001384504.1); short protein forms K160fs, K260fs, K345fs, K409fs, K414fs.
Identifiers: ClinVar variation 2417374 (VCV002417374.3), dbSNP rs2516885537, ClinGen allele CA2580098594.
Genomic context (GRCh38, chr21:33,352,851, plus strand): 5'-GTTCCTAATTTGAAACCACTGACTGTATATTGTGTGAAAGCCAGAGCACACACCATGGAT[GA>G]AAAGCTGAATAAAAGCAGTGTTTTTAGTGACGCTGTATGTGAGAAAACAAAACCAGGTCA-3'